The following is an entry in ClinVar:

NM_002667.5(PLN):c.34A>G (p.Ile12Val)

Genes: CEP85L (centrosomal protein 85L; minus strand), PLN (phospholamban; plus strand). Cytogenetic location: 6q22.31.
Variant type: single nucleotide variant.
Coding change: c.34A>G on transcript NM_002667.5 (MANE Select); coding-DNA position 34, A replaced by G.
Protein change: p.Ile12Val; replaces isoleucine 12 with valine.
Molecular consequence: missense variant. On other transcripts: intron variant (3).
Genome position (GRCh38, 1-based): chr6:118,558,955, A>G. VCF-style: chr6-118558955-A-G. GRCh37 (hg19) VCF-style: chr6-118880118-A-G.
Other names: c.1029+6574T>C (NM_001178035.2); c.1020+6574T>C (NM_001042475.3, NM_206921.3); short protein forms I12V.
Identifiers: ClinVar variation 234806 (VCV000234806.23), dbSNP rs749571694, ClinGen allele CA3977969.

ClinVar aggregate classification (germline): Uncertain significance. Review status: criteria provided, multiple submitters, no conflicts (2 of 4 stars). 6 submissions from 6 submitters: Uncertain significance (6). Last evaluated 2026-08-31.

Conditions:
PLN-related disorder. Also called: PLN-related condition.
Cardiovascular phenotype. Identifiers: MedGen CN230736.
Cardiomyopathy (CMYO). Also called: Cardiomyopathies. Identifiers: Orphanet 167848, MedGen C0878544, MONDO:0004994, HP:0001638. Inheritance: Various modes of inheritance.
Dilated cardiomyopathy 1P (CMD1P). Identifiers: Orphanet 154, MedGen C1835928, MONDO:0012362, OMIM 609909.

Allele frequency attached by ClinVar (database versions not stated): gnomAD exomes 0.00003 and 0.00002; TOPMed 0.00003; ExAC 0.00002; gnomAD 0.00002 and 0.00003.
gnomAD v4.1: 40 of 1,613,496 alleles (0.0025%); highest among the groups gnomAD compares: Middle Eastern, 0.016%; no homozygotes.

Submissions (6):

PreventionGenetics, part of Exact Sciences
Classification: Uncertain significance for PLN-related condition. Last evaluated: 2026-08-31. Review status: criteria provided, single submitter. Criteria: ACMG Guidelines, 2015. Collection method: clinical testing. Allele origin: germline.
Comment: The PLN c.34A>G variant is predicted to result in the amino acid substitution p.Ile12Val. This variant has been reported in an individual with cardiomyopathy or a connective tissue disease in which clinical findings were not available (Nfonsam et al. 2019. PubMed ID: 30242101). This variant is reported in 0.017% of alleles in individuals of Latino descent in gnomAD and is interpreted as uncertain in ClinVar (Variation ID: 234806). At this time, the clinical significance of this variant is uncertain due to the absence of conclusive functional and genetic evidence.

Labcorp Genetics (formerly Invitae), Labcorp
Classification: Uncertain significance for Dilated cardiomyopathy 1P. Last evaluated: 2025-12-27. Review status: criteria provided, single submitter. Criteria: Invitae Variant Classification Sherloc (09022015). Collection method: clinical testing. Allele origin: germline.
Comment: This sequence change replaces isoleucine, which is neutral and non-polar, with valine, which is neutral and non-polar, at codon 12 of the PLN protein (p.Ile12Val). This variant is present in population databases (rs749571694, gnomAD 0.02%). This missense change has been observed in individual(s) with clinical features of cardiomyopathy or connective tissue disease (PMID: 30242101). ClinVar contains an entry for this variant (Variation ID: 234806). An algorithm developed to predict the effect of missense changes on protein structure and function (PolyPhen-2) suggests that this variant is likely to be tolerated. In summary, the available evidence is currently insufficient to determine the role of this variant in disease. Therefore, it has been classified as a Variant of Uncertain Significance.

Ambry Genetics
Classification: Uncertain significance for Cardiovascular phenotype. Last evaluated: 2025-08-13. Review status: criteria provided, single submitter. Criteria: Ambry Variant Classification Scheme 2023. Collection method: clinical testing. Allele origin: germline.
Comment: The p.I12V variant (also known as c.34A>G), located in coding exon 1 of the PLN gene, results from an A to G substitution at nucleotide position 34. The isoleucine at codon 12 is replaced by valine, an amino acid with highly similar properties. This amino acid position is not well conserved in available vertebrate species. In addition, this alteration is predicted to be tolerated by in silico analysis. Based on the available evidence, the clinical significance of this variant remains unclear.

GeneDx
Classification: Uncertain significance. Last evaluated: 2024-11-15. Review status: criteria provided, single submitter. Criteria: GeneDx Variant Classification Process June 2021. Collection method: clinical testing. Allele origin: germline. Affected: yes.
Comment: Identified in a cohort with a clinical diagnosis or suspicion of inherited cardiomyopathy or connective tissue disorder, but additional clinical information was not included (PMID: 30242101); In silico analysis indicates that this missense variant does not alter protein structure/function; This variant is associated with the following publications: (PMID: 30242101)

Mayo Clinic Laboratories, Mayo Clinic
Classification: Uncertain significance. Last evaluated: 2019-04-08. Review status: criteria provided, single submitter. Criteria: ACMG Guidelines, 2015. Collection method: clinical testing. Allele origin: germline. Observed: 1 variant allele.

CHEO Genetics Diagnostic Laboratory, Children's Hospital of Eastern Ontario
Classification: Uncertain significance for Cardiomyopathy. Last evaluated: 2018-01-02. Review status: criteria provided, single submitter. Criteria: ACMG Guidelines, 2015. Collection method: clinical testing. Allele origin: germline.

Literature cited by the submitters: PubMed 30242101 (cited by Labcorp Genetics (formerly Invitae), Labcorp).